The following is an entry in ClinVar:

NM_152564.5(VPS13B):c.10885_10886del (p.Leu3629fs)

Gene: VPS13B (vacuolar protein sorting 13 homolog B; plus strand). Cytogenetic location: 8q22.2.
Variant type: Microsatellite.
Coding change: c.10885_10886del on transcript NM_152564.5 (MANE Select); coding-DNA positions 10885 to 10886, 2 bases deleted (CT; older notation c.10885_10886delCT).
Protein change: p.Leu3629fs; shifts the reading frame from leucine 3629.
Molecular consequence: frameshift variant.
Genome position (GRCh38, 1-based): chr8:99,859,321-99,859,322, CT deleted; deleting any 2 consecutive bases within chr8:99,859,318-99,859,322 gives the same sequence; the c. name uses the placement nearest the transcript's 3' end. VCF-style (leftmost placement, unchanged base first): chr8-99859317-GTC-G. GRCh37 (hg19) VCF-style: chr8-100871545-GTC-G.
Other names: c.10960_10961del, p.Leu3654fs (NM_017890.5); short protein forms L3629fs, L3654fs.
Identifiers: ClinVar variation 5004218 (VCV005004218.1).
Genomic context (GRCh38, chr8:99,859,317, plus strand): 5'-TTCTGCATTTGAGGTTTCAATCACCCCTTCCCTCTTGTGCGTTGCAGGCTGGGTAGTTGG[GTC>G]TCTGGATATTCTTGGCAGCCCTGCAAGCCTGGTGAGAAGCATCGGGAACGGGGTCGCCGA-3'

ClinVar aggregate classification (germline): Pathogenic (1 of 4 stars; one submission).

Conditions:
Cohen syndrome (COH1). Also called: Cutis verticis gyrata, retinitis pigmentosa, and sensorineural deafness; PEPPER SYNDROME. Identifiers: Orphanet 193, MedGen C0265223, MONDO:0008999, OMIM 216550.

Submission:

Myriad Genetics, Inc.
Classification: Pathogenic for Cohen syndrome. Last evaluated: 2025-10-13. Review status: criteria provided, single submitter. Criteria: Myriad Autosomal Dominant, Autosomal Recessive and X-Linked Classification Criteria (2023). Collection method: clinical testing. Allele origin: unknown.
Comment: NM_017890.4(VPS13B):c.10960_10961delCT(L3654Gfs*26) is a frameshift variant classified as pathogenic in the context of Cohen syndrome. L3654Gfs*26 has not been observed in cases with relevant disease. Relevant functional assessments of this variant are not available in the literature. L3654Gfs*26 has not been observed in referenced population frequency databases. In summary, NM_017890.4(VPS13B):c.10960_10961delCT(L3654Gfs*26) is a frameshift variant in a gene where loss of function is a known mechanism of disease and is predicted to disrupt protein function. Please note: this variant was assessed in the context of healthy population screening.